The following is an entry in ClinVar:

ClinVar aggregate classification (germline): Uncertain significance. Review status: criteria provided, multiple submitters, no conflicts (2 of 4 stars). 6 submissions from 6 submitters: Uncertain significance (6). Last evaluated 2025-11-20.

Conditions:
Familial thoracic aortic aneurysm and aortic dissection (TAAD). Also called: Thoracic aortic aneurysms and dissections. Identifiers: Orphanet 91387, MedGen C4707243, MONDO:0019625.
Weill-Marchesani syndrome 2, dominant. Also called: Weill-Marchesani Syndrome, Autosomal Dominant; FBN1-Related Weill-Marchesani Syndrome. Identifiers: Orphanet 2084, MedGen C1869115, MONDO:0012013, OMIM 608328.
Progeroid and marfanoid aspect-lipodystrophy syndrome. Also called: Marfan lipodystrophy syndrome; MARFANOID-PROGEROID SYNDROME; MARFAN-PROGEROID-LIPODYSTROPHY SYNDROME; MARFANOID-PROGEROID-LIPODYSTROPHY SYNDROME. Identifiers: Orphanet 300382, MedGen C4310796, MONDO:0014831, OMIM 616914.
Stiff skin syndrome (SSKS). Identifiers: Orphanet 2833, MedGen C1861456, MONDO:0008492, OMIM 184900.
Acromicric dysplasia (ACMICD). Also called: Acromicric skeletal dysplasia. Identifiers: Orphanet 969, MedGen C0265287, MONDO:0007055, OMIM 102370.
Geleophysic dysplasia 2 (GPHYSD2). Identifiers: Orphanet 2623, MedGen C3280054, MONDO:0013612, OMIM 614185.
Ectopia lentis 1, isolated, autosomal dominant (ECTOL1). Identifiers: Orphanet 1885, MedGen C3541518, MONDO:0007514, OMIM 129600.
Marfan syndrome (MFS). Also called: FBN1-Related Marfan Syndrome; Marfan syndrome type 1; Marfan's syndrome; Marfan syndrome, classic; MARFAN SYNDROME, TYPE I. Identifiers: Orphanet 284963, Orphanet 558, MedGen C0024796, MONDO:0007947, OMIM 154700.
MASS syndrome (OCTD). Also called: MASS PHENOTYPE; OVERLAP CONNECTIVE TISSUE DISEASE. Identifiers: MedGen C1858556, MONDO:0011431, OMIM 604308.

Allele frequency attached by ClinVar (database versions not stated): gnomAD 0.00003 and 0.00002; gnomAD exomes 0.00001; TOPMed 0.00003; ESP Exome Variant Server 0.00008.
gnomAD v4.1: 11 of 1,614,130 alleles (0.00068%); highest among the groups gnomAD compares: African/African-American, 0.0093%; no homozygotes.

Submissions (6):

Color Diagnostics, LLC DBA Color Health
Classification: Uncertain significance for Familial thoracic aortic aneurysm and aortic dissection. Last evaluated: 2025-11-20. Review status: criteria provided, single submitter. Criteria: ACMG Guidelines, 2015. Collection method: clinical testing. Allele origin: germline.
Comment: This missense variant replaces arginine with histidine at codon 1840 of the FBN1 protein. Computational prediction is inconclusive regarding the impact of this variant on protein structure and function. To our knowledge, functional studies have not been reported for this variant. This variant has not been reported in individuals affected with FBN1-related disorders in the literature. This variant has been identified in 11/1614130 chromosomes in the general population by the Genome Aggregation Database (gnomAD). The available evidence is insufficient to determine the role of this variant in disease conclusively. Therefore, this variant is classified as a Variant of Uncertain Significance.

All of Us Research Program, National Institutes of Health
Classification: Uncertain significance for Marfan syndrome. Last evaluated: 2023-11-14. Review status: criteria provided, single submitter. Criteria: ACMG Guidelines, 2015. Collection method: clinical testing. Allele origin: germline. Inheritance: Autosomal dominant inheritance. Observed: 1 variant allele, 1 heterozygote.
Comment: This study involves interpretation of variants in research participants for the purpose of population health screening. Participant phenotype was not available at the time of variant classification. Additional details can be found in publication PMID: 35346344, PMCID: PMC8962531

Fulgent Genetics
Classification: Uncertain significance for Acromicric dysplasia; Ectopia lentis 1, isolated, autosomal dominant; Marfan syndrome; Stiff skin syndrome; MASS syndrome; Weill-Marchesani syndrome 2, dominant; Geleophysic dysplasia 2; Progeroid and marfanoid aspect-lipodystrophy syndrome. Last evaluated: 2021-11-12. Review status: criteria provided, single submitter. Criteria: ACMG Guidelines, 2015. Collection method: clinical testing. Allele origin: unknown.

Labcorp Genetics (formerly Invitae), Labcorp
Classification: Uncertain significance for Marfan syndrome; Familial thoracic aortic aneurysm and aortic dissection. Last evaluated: 2021-08-24. Review status: criteria provided, single submitter. Criteria: Invitae Variant Classification Sherloc (09022015). Collection method: clinical testing. Allele origin: germline.
Comment: This sequence change replaces arginine with histidine at codon 1840 of the FBN1 protein (p.Arg1840His). The arginine residue is moderately conserved and there is a small physicochemical difference between arginine and histidine. This variant is not present in population databases (ExAC no frequency). This missense change has been observed in individual(s) with aortic dissection (Invitae). ClinVar contains an entry for this variant (Variation ID: 618652). Algorithms developed to predict the effect of missense changes on protein structure and function are either unavailable or do not agree on the potential impact of this missense change (SIFT: "Tolerated"; PolyPhen-2: "Probably Damaging"; Align-GVGD: "Class C0"). In summary, the available evidence is currently insufficient to determine the role of this variant in disease. Therefore, it has been classified as a Variant of Uncertain Significance.

ARUP Laboratories, Molecular Genetics and Genomics, ARUP Laboratories
Classification: Uncertain significance. Last evaluated: 2019-02-19. Review status: criteria provided, single submitter. Criteria: ARUP Molecular Germline Variant Investigation Process. Collection method: clinical testing. Allele origin: germline.
Comment: The FBN1 c.5519G>A, p.Arg1840His variant (rs369482365) has not been reported in the medical literature, listed in gene-specific variant databases, or reported in the ClinVar database. It is observed once in the Exome Variant Server population database (1/12988 alleles). The arginine at position 1840 is moderately conserved and computational algorithms (PolyPhen-2, SIFT) predict that the variant is deleterious. This variant occurs in a conserved EGF domain but does not occur in a conserved residue, which is a known pathogenic mechanism (Loeys 2010). Due to the limited information regarding the p.Arg1840His variant, its clinical significance could not be determined with certainty. References: Loeys BL et al. The revised Ghent nosology for the Marfan syndrome. J Med Genet. 2010 Jul;47(7):476-85.

Human Genome Sequencing Center Clinical Lab, Baylor College of Medicine
Classification: Uncertain significance for Marfan syndrome. Review status: criteria provided, single submitter. Criteria: ACMG Guidelines, 2015. Collection method: clinical testing. Allele origin: germline.

NM_000138.5(FBN1):c.5519G>A (p.Arg1840His)

Gene: FBN1 (fibrillin 1; minus strand). Cytogenetic location: 15q21.1.
Variant type: single nucleotide variant.
Coding change: c.5519G>A on transcript NM_000138.5 (MANE Select); coding-DNA position 5519, G replaced by A.
Protein change: p.Arg1840His; replaces arginine 1840 with histidine.
Molecular consequence: missense variant.
Genome position (GRCh38, 1-based): chr15:48,452,588, C>T on the plus strand (G>A on the coding strand, the complement: FBN1 is on the minus strand). VCF-style: chr15-48452588-C-T. GRCh37 (hg19) VCF-style: chr15-48744785-C-T.
Other names: short protein forms R1840H.
Identifiers: ClinVar variation 618652 (VCV000618652.19), dbSNP rs369482365, ClinGen allele CA269537699.